The following is an entry in ClinVar:

NM_001267550.2(TTN):c.11633T>A (p.Ile3878Asn)

Gene: TTN (titin; minus strand). Cytogenetic location: 2q31.2.
Variant type: single nucleotide variant.
Coding change: c.11633T>A on transcript NM_001267550.2 (MANE Select); coding-DNA position 11633, T replaced by A.
Protein change: p.Ile3878Asn; replaces isoleucine 3878 with asparagine.
Molecular consequence: missense variant. On other transcripts: intron variant (1).
Genome position (GRCh38, 1-based): chr2:178,741,600, A>T on the plus strand (T>A on the coding strand, the complement: TTN is on the minus strand). VCF-style: chr2-178741600-A-T. GRCh37 (hg19) VCF-style: chr2-179606327-A-T.
Other names: c.10682T>A, p.Ile3561Asn (NM_001256850.1); c.10544T>A, p.Ile3515Asn (NM_003319.4); c.10919T>A, p.Ile3640Asn (NM_133432.3); c.11120T>A, p.Ile3707Asn (NM_133437.4); c.10361-3240T>A (NM_133378.4); short protein forms I3878N, I3561N, I3707N, I3515N, I3640N.
Identifiers: ClinVar variation 1777983 (VCV001777983.2), dbSNP rs2530728837, ClinGen allele CA349620529.
Genomic context (GRCh38, chr2:178,741,600, plus strand): 5'-TAGTCATTACTGGCCATACATGTATACTCTCCCTCATCCTCCAATTTGGTGAACAGAATG[A>T]TCAGGCTATGATCATCACCGTCAAAAACAAATTTGTAGTCAGCAGAAGGGGTTAATAGCA-3'
Protein context (NP_001254479.2, residues 3868-3888): FVFDGDDHSL[Ile3878Asn]ILFTKLEDEG

ClinVar aggregate classification (germline): Uncertain significance (1 of 4 stars; one submission).

Conditions:
Cardiovascular phenotype. Identifiers: MedGen CN230736.

gnomAD v4.1: 1 of 1,613,864 alleles (0.000062%); highest among the groups gnomAD compares: Middle Eastern, 0.016%; no homozygotes.

Submission:

Ambry Genetics
Classification: Uncertain significance for Cardiovascular phenotype. Last evaluated: 2018-09-21. Review status: criteria provided, single submitter. Criteria: Ambry Variant Classification Scheme 2023. Collection method: clinical testing. Allele origin: germline.
Comment: The p.I3515N variant (also known as c.10544T>A), located in coding exon 44 of the TTN gene, results from a T to A substitution at nucleotide position 10544. The isoleucine at codon 3515 is replaced by asparagine, an amino acid with dissimilar properties. This amino acid position is well conserved in available vertebrate species. In addition, this alteration is predicted to be tolerated by in silico analysis. Since supporting evidence is limited at this time, the clinical significance of this alteration remains unclear.